The following is an entry in ClinVar:

ClinVar aggregate classification (germline): Uncertain significance (1 of 4 stars; one submission).

Conditions:
Cortical dysplasia-focal epilepsy syndrome (PTHSL1). Also called: Pitt-Hopkins-like syndrome 1. Identifiers: Orphanet 163681, Orphanet 221150, MedGen C2750246, MONDO:0012400, OMIM 610042.

Allele frequency attached by ClinVar (database versions not stated): gnomAD exomes below 0.00001.
gnomAD v4.1: 1 of 1,614,130 alleles (0.000062%); highest among the groups gnomAD compares: Non-Finnish European, 0.000085%; no homozygotes.

Submission:

Labcorp Genetics (formerly Invitae), Labcorp
Classification: Uncertain significance for Cortical dysplasia-focal epilepsy syndrome. Last evaluated: 2023-10-29. Review status: criteria provided, single submitter. Criteria: Invitae Variant Classification Sherloc (09022015). Collection method: clinical testing. Allele origin: germline.
Comment: This sequence change replaces proline, which is neutral and non-polar, with threonine, which is neutral and polar, at codon 766 of the CNTNAP2 protein (p.Pro766Thr). This variant is not present in population databases (gnomAD no frequency). This variant has not been reported in the literature in individuals affected with CNTNAP2-related conditions. An algorithm developed to predict the effect of missense changes on protein structure and function (PolyPhen-2) suggests that this variant is likely to be disruptive. In summary, the available evidence is currently insufficient to determine the role of this variant in disease. Therefore, it has been classified as a Variant of Uncertain Significance.

NM_014141.6(CNTNAP2):c.2296C>A (p.Pro766Thr)

Gene: CNTNAP2 (contactin associated protein 2; plus strand). Cytogenetic location: 7q35.
Variant type: single nucleotide variant.
Coding change: c.2296C>A on transcript NM_014141.6 (MANE Select); coding-DNA position 2296, C replaced by A.
Protein change: p.Pro766Thr; replaces proline 766 with threonine.
Molecular consequence: missense variant.
Genome position (GRCh38, 1-based): chr7:147,977,902, C>A. VCF-style: chr7-147977902-C-A. GRCh37 (hg19) VCF-style: chr7-147674994-C-A.
Other names: short protein forms P766T.
Identifiers: ClinVar variation 2772633 (VCV002772633.2), dbSNP rs2536389592, ClinGen allele CA369927634.
Genomic context (GRCh38, chr7:147,977,902, plus strand): 5'-TGTCTTTCCCTGTGATCCAGGAGGAAGGATGCTGGTTTCTTATCATACAAAGATCACCTG[C>A]CAGTGAGCCAAGTGGTGGTTGGAGATACTGACCGTCAAGGCTCAGAAGCCAAATTGAGCG-3'
Protein context (NP_054860.1, residues 756-776): AGFLSYKDHL[Pro766Thr]VSQVVVGDTD